The following is an entry in ClinVar:

ClinVar aggregate classification (germline): Benign/Likely benign. Review status: criteria provided, multiple submitters, no conflicts (2 of 4 stars). 4 submissions from 4 submitters: Benign (2); Likely benign (2). Last evaluated 2026-01-11.

Allele frequency attached by ClinVar (database versions not stated): gnomAD exomes 0.00013 and 0.00042; ExAC 0.00056; 1000 Genomes Project 0.00140; gnomAD 0.00165 and 0.00173; TOPMed 0.00174; ESP Exome Variant Server 0.00200; 1000 Genomes Project 30x 0.00203.

Submissions (4):

Labcorp Genetics (formerly Invitae), Labcorp
Classification: Benign. Last evaluated: 2026-01-11. Review status: criteria provided, single submitter. Criteria: Invitae Variant Classification Sherloc (09022015). Collection method: clinical testing. Allele origin: germline.

Mayo Clinic Laboratories, Mayo Clinic
Classification: Likely benign. Last evaluated: 2025-09-30. Review status: criteria provided, single submitter. Criteria: ACMG Guidelines, 2015. Collection method: clinical testing. Allele origin: germline. Observed: 1 variant allele.
Comment: BS2_supporting, BP4_moderate

Blueprint Genetics
Classification: Likely benign. Last evaluated: 2024-09-19. Review status: criteria provided, single submitter. Criteria: ACMG Guidelines, 2015. Collection method: clinical testing. Allele origin: germline.

Breakthrough Genomics
Classification: Benign. Review status: criteria provided, single submitter. Criteria: ACMG Guidelines, 2015. Collection method: not provided. Allele origin: germline. Inheritance: Autosomal recessive inheritance. Affected: yes.

NM_001375.3(DNASE2):c.211C>T (p.Pro71Ser)

Genes: DNASE2 (deoxyribonuclease 2, lysosomal; minus strand), LOC117125588 (CRISPRi-FlowFISH-validated KLF1 regulatory element 1; plus strand). Cytogenetic location: 19p13.13.
Variant type: single nucleotide variant.
Coding change: c.211C>T on transcript NM_001375.3 (MANE Select); coding-DNA position 211, C replaced by T.
Protein change: p.Pro71Ser; replaces proline 71 with serine.
Molecular consequence: missense variant.
Genome position (GRCh38, 1-based): chr19:12,881,028, G>A on the plus strand (C>T on the coding strand, the complement: DNASE2 is on the minus strand). VCF-style: chr19-12881028-G-A. GRCh37 (hg19) VCF-style: chr19-12991842-G-A.
Other names: p.Pro71Ser; short protein forms P71S.
Identifiers: ClinVar variation 1167607 (VCV001167607.12), dbSNP rs150023166, ClinGen allele CA9233857.
Genomic context (GRCh38, chr19:12,881,028, plus strand): 5'-TCACCTGGCTGGTGTTGCTCCGGTACAGCGGCTGCAGGCTTCGGCCCACGGCCCCCTCCG[G>A]GCTGTTGATGAGTGCCCTGCCGTCCCGCCAGCCTCCGGAGCTCTCGTCCAGATACTTGTA-3'
Protein context (NP_001366.1, residues 61-81): WRDGRALINS[Pro71Ser]EGAVGRSLQP